The following is an entry in ClinVar:

ClinVar aggregate classification (germline): Pathogenic. Review status: reviewed by expert panel (3 of 4 stars). 2 submissions from 2 submitters: Pathogenic (1). 1 of the submissions does not count toward it. Last evaluated 2023-08-04.

Conditions:
Hereditary diffuse gastric adenocarcinoma (HDGC). Also called: DIFFUSE GASTRIC AND LOBULAR BREAST CANCER SYNDROME. Identifiers: Orphanet 26106, MedGen C1708349, MONDO:0007648, OMIM 137215.
CDH1-related diffuse gastric and lobular breast cancer syndrome. Also called: CDH1-related diffuse gastric and lobular breast cancer. Identifiers: MedGen CN311521, MONDO:0100488.

Submissions (2):

Clingen Gastric Cancer Variant Curation Expert Panel
Classification: Pathogenic for CDH1-related diffuse gastric and lobular breast cancer syndrome. Last evaluated: 2023-08-04. Review status: reviewed by expert panel. Criteria: ClinGen CDH1 ACMG Specifications V3.1. Collection method: curation. Allele origin: germline. Inheritance: Autosomal dominant inheritance.
Comment: The c.457A>T (p.Lys153Ter) variant is predicted to result in a premature stop codon that leads to nonsense mediate decay (PVS1 and PM5_supporting). The variant is absent in the gnomAD cohort (PM2_supporting). Therefore, this variant meets criteria to be classified as pathogenic based on the ACMG/AMP criteria applied as specified by the CDH1 Variant Curation Expert Panel (CDH1 VCEP specifications version 3.1): PVS1, PM2_supporting, PM5_supporting.

Labcorp Genetics (formerly Invitae), Labcorp
Classification: Pathogenic for Hereditary diffuse gastric adenocarcinoma. Last evaluated: 2018-06-28. Review status: criteria provided, single submitter. Criteria: Invitae Variant Classification Sherloc (09022015). Collection method: clinical testing. Allele origin: germline. Not counted in ClinVar's aggregate classification.
Comment: For these reasons, this variant has been classified as Pathogenic. Loss-of-function variants in CDH1 are known to be pathogenic (PMID: 15235021, 20373070). This variant has not been reported in the literature in individuals with CDH1-related disease. This variant is not present in population databases (ExAC no frequency). This sequence change creates a premature translational stop signal (p.Lys153*) in the CDH1 gene. It is expected to result in an absent or disrupted protein product.

Literature cited by the submitters: PubMed 15235021 (cited by Labcorp Genetics (formerly Invitae), Labcorp); PubMed 20373070 (cited by Labcorp Genetics (formerly Invitae), Labcorp).

NM_004360.5(CDH1):c.457A>T (p.Lys153Ter)

Gene: CDH1 (cadherin 1; plus strand). Cytogenetic location: 16q22.1.
Variant type: single nucleotide variant.
Coding change: c.457A>T on transcript NM_004360.5 (MANE Select); coding-DNA position 457, A replaced by T.
Protein change: p.Lys153Ter; replaces lysine 153 with a stop codon.
Molecular consequence: nonsense. On other transcripts: 5 prime UTR variant (2).
Genome position (GRCh38, 1-based): chr16:68,808,493, A>T. VCF-style: chr16-68808493-A-T. GRCh37 (hg19) VCF-style: chr16-68842396-A-T.
Other names: c.457A>T, p.Lys153Ter (NM_001317184.2); c.-1159A>T (NM_001317185.2); c.-1363A>T (NM_001317186.2); c.457A>T (LRG_301t1); short protein forms K153*.
Identifiers: ClinVar variation 569046 (VCV000569046.11), dbSNP rs1567504575, ClinGen allele CA396457656.